The following is an entry in ClinVar:

ClinVar aggregate classification (germline): Uncertain significance (1 of 4 stars; one submission).

Allele frequency attached by ClinVar (database versions not stated): TOPMed below 0.00001; gnomAD 0.00001.
gnomAD v4.1: 1 of 1,613,740 alleles (0.000062%); highest among the groups gnomAD compares: African/African-American, 0.0013%; no homozygotes.

Submission:

Labcorp Genetics (formerly Invitae), Labcorp
Classification: Uncertain significance. Last evaluated: 2022-02-23. Review status: criteria provided, single submitter. Criteria: Invitae Variant Classification Sherloc (09022015). Collection method: clinical testing. Allele origin: germline.
Comment: This variant is not present in population databases (gnomAD no frequency). This sequence change replaces methionine, which is neutral and non-polar, with threonine, which is neutral and polar, at codon 601 of the IARS protein (p.Met601Thr). This variant has not been reported in the literature in individuals affected with IARS-related conditions. In summary, the available evidence is currently insufficient to determine the role of this variant in disease. Therefore, it has been classified as a Variant of Uncertain Significance. Algorithms developed to predict the effect of missense changes on protein structure and function are either unavailable or do not agree on the potential impact of this missense change (SIFT: "Deleterious"; PolyPhen-2: "Probably Damaging"; Align-GVGD: "Class C0").

NM_002161.6(IARS1):c.1802T>C (p.Met601Thr)

Gene: IARS1 (isoleucyl-tRNA synthetase 1; minus strand). Cytogenetic location: 9q22.31.
Variant type: single nucleotide variant.
Coding change: c.1802T>C on transcript NM_002161.6 (MANE Select); coding-DNA position 1802, T replaced by C.
Protein change: p.Met601Thr; replaces methionine 601 with threonine.
Molecular consequence: missense variant. On other transcripts: non-coding transcript variant (1), intron variant (1).
Genome position (GRCh38, 1-based): chr9:92,260,220, A>G on the plus strand (T>C on the coding strand, the complement: IARS1 is on the minus strand). VCF-style: chr9-92260220-A-G. GRCh37 (hg19) VCF-style: chr9-95022502-A-G.
Other names: c.1802T>C, p.Met601Thr (NM_001374299.1, NM_001374300.1, NM_001378572.1 and 13 more transcripts); c.1865T>C, p.Met622Thr (NM_001378569.1); c.1823T>C, p.Met608Thr (NM_001378571.1); c.1679T>C, p.Met560Thr (NM_001378583.1); c.1788-1222T>C (NM_001374301.1); short protein forms M560T, M608T, M622T, M601T.
Identifiers: ClinVar variation 1942702 (VCV001942702.5), dbSNP rs1013922156, ClinGen allele CA195416595.